The following is an entry in ClinVar:

ClinVar aggregate classification (germline): Likely pathogenic (1 of 4 stars; one submission).

Conditions:
Nephrogenic diabetes insipidus. Identifiers: Orphanet 223, MedGen C0162283, MONDO:0016383, HP:0009806.

Submission:

Natera, Inc.
Classification: Likely pathogenic for Nephrogenic diabetes insipidus. Last evaluated: 2025-07-23. Review status: criteria provided, single submitter. Criteria: Natera Variant Classification Schema (03/2026). Collection method: clinical testing. Allele origin: germline.
Comment: The c.682_688del variant in AQP2 is a frameshift variant predicted to shift the reading frame beginning at codon 228 and leads to a stop codon 8 codons downstream. This variant is expected to result in nonsense mediated decay, truncation, or a dysfunctional protein product. This variant is rare in the general population with a frequency below the threshold expected for the associated phenotype(s). Given the available evidence, this variant is classified as Likely Pathogenic.

NM_000486.6(AQP2):c.682_688del (p.Lys228fs)

Genes: AQP5-AS1 (AQP5 and AQP2 antisense RNA 2; minus strand), AQP2 (aquaporin 2; plus strand). Cytogenetic location: 12q13.12.
Variant type: Deletion.
Coding change: c.682_688del on transcript NM_000486.6 (MANE Select); coding-DNA positions 682 to 688, 7 bases deleted (AAGAGCC; older notation c.682_688delAAGAGCC).
Protein change: p.Lys228fs; shifts the reading frame from lysine 228.
Molecular consequence: frameshift variant.
Genome position (GRCh38, 1-based): chr12:49,955,474-49,955,480, AAGAGCC deleted; deleting any 7 consecutive bases within chr12:49,955,470-49,955,480 gives the same sequence; the c. name uses the placement nearest the transcript's 3' end. VCF-style (leftmost placement, unchanged base first): chr12-49955469-CAGCCAAG-C. GRCh37 (hg19) VCF-style: chr12-50349252-CAGCCAAG-C.
Other names: c.682_688delAAGAGCC, p.Lys228Cysfs (NM_000486.5); short protein forms K228fs.
Identifiers: ClinVar variation 4818433 (VCV004818433.1).